The following is an entry in ClinVar:

ClinVar aggregate classification (germline): Uncertain significance (1 of 4 stars; one submission).

gnomAD v4.1: 7 of 1,551,226 alleles (0.00045%); highest among the groups gnomAD compares: Non-Finnish European, 0.00061%; no homozygotes.

Submission:

Labcorp Genetics (formerly Invitae), Labcorp
Classification: Uncertain significance. Last evaluated: 2021-11-03. Review status: criteria provided, single submitter. Criteria: Invitae Variant Classification Sherloc (09022015). Collection method: clinical testing. Allele origin: germline.
Comment: This sequence change replaces threonine, which is neutral and polar, with lysine, which is basic and polar, at codon 478 of the GPR179 protein (p.Thr478Lys). The frequency data for this variant in the population databases is considered unreliable, as metrics indicate poor data quality at this position in the gnomAD database. This variant has not been reported in the literature in individuals affected with GPR179-related conditions. Algorithms developed to predict the effect of missense changes on protein structure and function (SIFT, PolyPhen-2, Align-GVGD) all suggest that this variant is likely to be tolerated. Algorithms developed to predict the effect of sequence changes on RNA splicing suggest that this variant may create or strengthen a splice site. In summary, the available evidence is currently insufficient to determine the role of this variant in disease. Therefore, it has been classified as a Variant of Uncertain Significance.

NM_001004334.4(GPR179):c.1433C>A (p.Thr478Lys)

Gene: GPR179 (G protein-coupled receptor 179; minus strand). Cytogenetic location: 17q12.
Variant type: single nucleotide variant.
Coding change: c.1433C>A on transcript NM_001004334.4 (MANE Select); coding-DNA position 1433, C replaced by A.
Protein change: p.Thr478Lys; replaces threonine 478 with lysine.
Molecular consequence: missense variant.
Genome position (GRCh38, 1-based): chr17:38,335,245, G>T on the plus strand (C>A on the coding strand, the complement: GPR179 is on the minus strand). VCF-style: chr17-38335245-G-T. GRCh37 (hg19) VCF-style: chr17-36491128-G-T.
Other names: short protein forms T478K.
Identifiers: ClinVar variation 1515642 (VCV001515642.3), dbSNP rs537523744, ClinGen allele CA290108725.
Genomic context (GRCh38, chr17:38,335,245, plus strand): 5'-AGGAGCAGCCCCAGGTGCCGCAGCAGCCGCCCGCTGCTCAGAAGGGCACTCCGCTGGGCC[G>T]TTCGAGACAGAAACAGCTGCAGCACTCTGCGAGGGTTAGAATACACAGGGTGGATGGCAG-3'
Protein context (NP_001004334.3, residues 468-488): YRVLQLFLSR[Thr478Lys]AQRSALLSSG